The following is an entry in ClinVar:

NM_024675.4(PALB2):c.3054G>T (p.Glu1018Asp)

Gene: PALB2 (partner and localizer of BRCA2; minus strand). Cytogenetic location: 16p12.2.
Variant type: single nucleotide variant.
Coding change: c.3054G>T on transcript NM_024675.4 (MANE Select); coding-DNA position 3054, G replaced by T.
Protein change: p.Glu1018Asp; replaces glutamic acid 1018 with aspartic acid.
Molecular consequence: missense variant.
Genome position (GRCh38, 1-based): chr16:23,621,421, C>A on the plus strand (G>T on the coding strand, the complement: PALB2 is on the minus strand). VCF-style: chr16-23621421-C-A. GRCh37 (hg19) VCF-style: chr16-23632742-C-A.
Other names: short protein forms E1018D.
Identifiers: ClinVar variation 420826 (VCV000420826.26), dbSNP rs183489969, ClinGen allele CA16620118.
Genomic context (GRCh38, chr16:23,621,421, plus strand): 5'-CCAAATAACAATGTTGTTCATAATAGTAGTACCAAGCAGAGCTTCTTGCATCCCTTGGAC[C>A]TCAGCAAAAGTTAGTATAGTCTCCTCAGGGGGCATCAAAAATTGGTTTTCTTTGCCTCTG-3'
Protein context (NP_078951.2, residues 1008-1028): PPEETILTFA[Glu1018Asp]VQGMQEALLG

ClinVar aggregate classification (germline): Conflicting classifications of pathogenicity. Review status: criteria provided, conflicting classifications (1 of 4 stars). 7 submissions from 7 submitters: Uncertain significance (2); Benign (1); Likely benign (3). 1 of the submissions does not count toward it. Last evaluated 2025-12-09.

Conditions:
Hereditary cancer-predisposing syndrome. Also called: Hereditary neoplastic syndrome; Tumor predisposition; Neoplastic Syndromes, Hereditary; Hereditary Cancer Syndrome. Identifiers: Orphanet 140162, MedGen C0027672, MeSH D009386, MONDO:0015356.
Familial cancer of breast. Also called: Hereditary breast cancer; BREAST CANCER, FAMILIAL; hereditary breast carcinoma. Identifiers: Orphanet 227535, MedGen C0346153, MONDO:0016419, OMIM 114480. Disease mechanism: loss of function.
Pancreatic cancer, susceptibility to, 3. Identifiers: Orphanet 1333, MedGen C3150547, MONDO:0013236, OMIM 613348.

gnomAD v4.1: 3 of 1,614,106 alleles (0.00019%); highest among the groups gnomAD compares: Non-Finnish European, 0.00025%; no homozygotes.

Submissions (7):

Ambry Genetics
Classification: Likely benign for Hereditary cancer-predisposing syndrome. Last evaluated: 2025-12-09. Review status: criteria provided, single submitter. Criteria: Ambry Variant Classification Scheme 2023. Collection method: clinical testing. Allele origin: germline.

Labcorp Genetics (formerly Invitae), Labcorp
Classification: Likely benign for Familial cancer of breast. Last evaluated: 2025-04-28. Review status: criteria provided, single submitter. Criteria: Invitae Variant Classification Sherloc (09022015). Collection method: clinical testing. Allele origin: germline.

Center for Genomic Medicine, Rigshospitalet, Copenhagen University Hospital
Classification: Likely benign. Last evaluated: 2025-03-04. Review status: criteria provided, single submitter. Criteria: ACMG Guidelines, 2015. Collection method: clinical testing. Allele origin: germline.

Myriad Genetics, Inc.
Classification: Benign for Familial cancer of breast. Last evaluated: 2025-01-21. Review status: criteria provided, single submitter. Criteria: Myriad Autosomal Dominant, Autosomal Recessive and X-Linked Classification Criteria (2023). Collection method: clinical testing. Allele origin: unknown.
Comment: This variant is considered benign. This variant is strongly associated with less severe personal and family histories of cancer, typical for individuals without pathogenic variants in this gene [PMID: 25085752]. Homozygosity for this variant has been confirmed in one or more individuals lacking clinical features consistent with gene-specific recessive disease, indicating that this variant is unlikely to be pathogenic.

Color Diagnostics, LLC DBA Color Health
Classification: Uncertain significance for Hereditary cancer-predisposing syndrome. Last evaluated: 2021-01-19. Review status: criteria provided, single submitter. Criteria: ACMG Guidelines, 2015. Collection method: clinical testing. Allele origin: germline.
Comment: This missense variant replaces glutamic acid with aspartic acid at codon 1018 of the PALB2 protein. Computational prediction suggests that this variant may not impact protein structure and function (internally defined REVEL score threshold <= 0.5, PMID: 27666373). Functional studies have shown that this variant has functional DNA repair activity in vitro (PMID: 31757951). To our knowledge, this variant has been reported in individuals affected with pancreatic cancer in the literature (PMID: 25356972). A similar variant that produces the same protein change c.3054G>C (p.Glu1018Asp) is not associated with breast or pancreatic cancer (PMID: 30287823, 32980694). This variant has not been identified in the general population by the Genome Aggregation Database (gnomAD) although the c.3054G>C (p.Glu1018Asp) variant is reported in gnomAD. The available evidence is insufficient to determine the role of this variant in disease conclusively. Therefore, this variant is classified as a Variant of Uncertain Significance.

GeneDx
Classification: Uncertain significance. Last evaluated: 2016-12-15. Review status: criteria provided, single submitter. Criteria: GeneDx Variant Classification (06012015). Collection method: clinical testing. Allele origin: germline. Affected: yes.
Comment: This variant is denoted PALB2 c.3054G>T at the cDNA level, p.Glu1018Asp (E1018D) at the protein level, and results in the change of a Glutamic Acid to an Aspartic Acid (GAG>GAT). This variant has been observed in at least one individual with a personal and family history of pancreatic cancer (Zhen 2014). PALB2 Glu1018Asp was not observed in approximately 6,500 individuals of European and African American ancestry in the NHLBI Exome Sequencing Project, suggesting it is not a common benign variant in these populations. Since Glutamic Acid and Aspartic Acid share similar properties, this is considered a conservative amino acid substitution. PALB2 Glu1018Asp occurs at a position that is conserved in mammals and is located in the WD4 repeat region, as well as the regions required for POLH DNA synthesis stimulation and interaction with BRCA2, POLH, RAD51 (UniProt). In silico analyses predict that this variant is probably damaging to protein structure and function. Based on currently available evidence, it is unclear whether PALB2 Glu1018Asp is a pathogenic or benign variant. We consider it to be a variant of uncertain significance.

Leiden Open Variation Database
Classification: Uncertain significance for Pancreatic cancer, susceptibility to, 3. Last evaluated: 2019-05-13. Review status: no assertion criteria provided. Collection method: curation. Allele origin: germline. Affected: yes. Not counted in ClinVar's aggregate classification.
Comment: Curators: Marc Tischkowitz, Arleen D. Auerbach. Submitter to LOVD: Marc Tischkowitz.

Literature cited by the submitters: PubMed 25356972 (cited by Ambry Genetics and Leiden Open Variation Database); PubMed 31586400 (cited by Ambry Genetics and Center for Genomic Medicine, Rigshospitalet, Copenhagen University Hospital); PubMed 31757951 (cited by Ambry Genetics and Center for Genomic Medicine, Rigshospitalet, Copenhagen University Hospital); PubMed 26283626 (cited by Center for Genomic Medicine, Rigshospitalet, Copenhagen University Hospital); PubMed 25085752 (cited by Myriad Genetics, Inc.).